The following is an entry in ClinVar:

NM_000092.5(COL4A4):c.3791G>T (p.Gly1264Val)

Gene: COL4A4 (collagen type IV alpha 4 chain; minus strand). Cytogenetic location: 2q36.3.
Variant type: single nucleotide variant.
Coding change: c.3791G>T on transcript NM_000092.5 (MANE Select); coding-DNA position 3791, G replaced by T.
Protein change: p.Gly1264Val; replaces glycine 1264 with valine.
Molecular consequence: missense variant.
Genome position (GRCh38, 1-based): chr2:227,031,971, C>A on the plus strand (G>T on the coding strand, the complement: COL4A4 is on the minus strand). VCF-style: chr2-227031971-C-A. GRCh37 (hg19) VCF-style: chr2-227896687-C-A.
Other names: short protein forms G1264V.
Identifiers: ClinVar variation 3031146 (VCV003031146.5), dbSNP rs371915593, ClinGen allele CA2144421.
Genomic context (GRCh38, chr2:227,031,971, plus strand): 5'-AGCACTGCCATCCTTTGTCATGATTCTCTCATACCTCTTGGGCCATCAGGACCAGGAGGT[C>A]CCTGATCTCCAGGTGGACCCGGGTCAGGAATGTCCTTAGGAGCTCTTCCTGTGGCACCTG-3'
Protein context (NP_000083.3, residues 1254-1274): IPDPGPPGDQ[Gly1264Val]PPGPDGPRGA

ClinVar aggregate classification (germline): Pathogenic/Likely pathogenic. Review status: criteria provided, multiple submitters, no conflicts (2 of 4 stars). 4 submissions from 4 submitters: Pathogenic (1); Likely pathogenic (2). 1 of the submissions does not count toward it. Last evaluated 2026-06-16.

Conditions:
COL4A4-related disorder.
Alport syndrome. Also called: Hemorrhagic familial nephritis; Hemorrhagic hereditary nephritis; Congenital hereditary hematuria. Identifiers: Orphanet 63, MedGen C1567741, MONDO:0018965.

Allele frequency attached by ClinVar (database versions not stated): TOPMed below 0.00001; ExAC 0.00001; gnomAD 0.00001; ESP Exome Variant Server 0.00008.
gnomAD v4.1: 1 of 1,613,410 alleles (0.000062%); highest among the groups gnomAD compares: Non-Finnish European, 0.000085%; no homozygotes.

Submissions (4):

GeneDx
Classification: Likely pathogenic. Last evaluated: 2026-06-16. Review status: criteria provided, single submitter. Criteria: GeneDx Variant Classification Process June 2021. Collection method: clinical testing. Allele origin: germline.
Comment: Reported to segregate in individuals belonging to the same family who presented with either IgA nephropathy or end stage renal disease of unknown cause in published literature (PMID: 32647767); Affects a glycine residue in a Gly-X-Y motif in the triple helical region of the COL4A4 gene, where the majority of pathogenic missense variants occur, and is predicted to disrupt normal protein folding and function (HGMD; PMID: 10752524); Not observed at significant frequency in large population cohorts (gnomAD); In silico analysis supports that this missense variant has a deleterious effect on protein structure/function and on splicing; This variant is associated with the following publications: (PMID: 10752524, 32647767)

Labcorp Genetics (formerly Invitae), Labcorp
Classification: Pathogenic. Last evaluated: 2025-10-23. Review status: criteria provided, single submitter. Criteria: Invitae Variant Classification Sherloc (09022015). Collection method: clinical testing. Allele origin: germline.
Comment: This sequence change replaces glycine, which is neutral and non-polar, with valine, which is neutral and non-polar, at codon 1264 of the COL4A4 protein (p.Gly1264Val). This variant is present in population databases (rs371915593, gnomAD 0.002%). This missense change has been observed in individual(s) with autosomal dominant COL4A4-related conditions (PMID: 32647767). It has also been observed to segregate with disease in related individuals. ClinVar contains an entry for this variant (Variation ID: 3031146). Invitae Evidence Modeling of protein sequence and biophysical properties (such as structural, functional, and spatial information, amino acid conservation, physicochemical variation, residue mobility, and thermodynamic stability) indicates that this missense variant is expected to disrupt COL4A4 protein function with a positive predictive value of 95%. Algorithms developed to predict the effect of sequence changes on RNA splicing suggest that this variant may disrupt the consensus splice site. For these reasons, this variant has been classified as Pathogenic.

Natera, Inc.
Classification: Likely pathogenic for Alport syndrome. Last evaluated: 2025-10-02. Review status: criteria provided, single submitter. Criteria: Natera Variant Classification Schema (03/2026). Collection method: clinical testing. Allele origin: germline.
Comment: The c.3791G>T variant in COL4A4 is a missense variant predicted to cause substitution of glycine to valine at amino acid 1264. This variant is rare in the general population with a frequency below the threshold expected for the associated phenotype(s). This variant has been observed in affected individual(s) with monoallelic occurrence (heterozygous/hemizygous) (PMID: 32647767). This variant has been observed to segregate in affected family members (PMID: 32647767). This variant is located in a functionally critical region of the protein. Computational prediction algorithms indicate this variant is likely to affect gene or protein function. Given the available evidence, this variant is classified as Likely Pathogenic.

PreventionGenetics, part of Exact Sciences
Classification: Likely pathogenic for COL4A4-related condition. Last evaluated: 2024-02-14. Review status: no assertion criteria provided. Collection method: clinical testing. Allele origin: germline. Not counted in ClinVar's aggregate classification.
Comment: The COL4A4 c.3791G>T variant is predicted to result in the amino acid substitution p.Gly1264Val. This variant was reported in an individual with IgA nephropathy (Li et al. 2020. PubMed ID: 32647767). The Gly1264Val variant affects a Gly residue of the conserved triple helical domain (residues 65 – 1459) of the COL4A4 protein. The majority of pathogenic variants in COL4A4 substitute a glycine residue in the triple-helical domain (Hudson et al. 1993. PubMed ID: 8253711). This variant is reported in 0.0018% of alleles in individuals of European (Non-Finnish) descent in gnomAD. This variant is interpreted as likely pathogenic.

Literature cited by the submitters: PubMed 32647767 (cited by Labcorp Genetics (formerly Invitae), Labcorp and Natera, Inc.).